The following is an entry in ClinVar:

NM_001868.4(CPA1):c.1246A>C (p.Asn416His)

Gene: CPA1 (carboxypeptidase A1; plus strand). Cytogenetic location: 7q32.2.
Variant type: single nucleotide variant.
Coding change: c.1246A>C on transcript NM_001868.4 (MANE Select); coding-DNA position 1246, A replaced by C.
Protein change: p.Asn416His; replaces asparagine 416 with histidine.
Molecular consequence: missense variant.
Genome position (GRCh38, 1-based): chr7:130,387,997, A>C. VCF-style: chr7-130387997-A-C. GRCh37 (hg19) VCF-style: chr7-130027838-A-C.
Other names: short protein forms N416H.
Identifiers: ClinVar variation 4825908 (VCV004825908.1).

ClinVar aggregate classification (germline): Uncertain significance (1 of 4 stars; one submission).

Conditions:
Hereditary pancreatitis (PCTT). Also called: Hereditary chronic pancreatitis; PRSS1-Related Hereditary Pancreatitis. Identifiers: Orphanet 676, MedGen C0238339, MONDO:0008185, OMIM 167800.

Submission:

Ambry Genetics
Classification: Uncertain significance for Hereditary pancreatitis. Last evaluated: 2026-03-02. Review status: criteria provided, single submitter. Criteria: Ambry Variant Classification Scheme 2023. Collection method: clinical testing. Allele origin: germline.
Comment: The p.N416H variant (also known as c.1246A>C), located in coding exon 10 of the CPA1 gene, results from an A to C substitution at nucleotide position 1246. The asparagine at codon 416 is replaced by histidine, an amino acid with similar properties. This amino acid position is conserved. In addition, this alteration is predicted to be tolerated by in silico analysis. Based on the available evidence, the clinical significance of this variant remains unclear.